The following is an entry in ClinVar:

ClinVar aggregate classification (germline): Uncertain significance (1 of 4 stars; one submission).

Submission:

GeneDx
Classification: Uncertain significance. Last evaluated: 2026-02-09. Review status: criteria provided, single submitter. Criteria: GeneDx Variant Classification Process June 2021. Collection method: clinical testing. Allele origin: germline.
Comment: Not observed at significant frequency in large population cohorts (gnomAD); In silico analysis supports that this missense variant has a deleterious effect on protein structure/function; Has not been previously published as pathogenic or benign to our knowledge

NM_024408.4(NOTCH2):c.7300T>G (p.Ser2434Ala)

Gene: NOTCH2 (notch receptor 2; minus strand). Cytogenetic location: 1p12.
Variant type: single nucleotide variant.
Coding change: c.7300T>G on transcript NM_024408.4 (MANE Select); coding-DNA position 7300, T replaced by G.
Protein change: p.Ser2434Ala; replaces serine 2434 with alanine.
Molecular consequence: missense variant.
Genome position (GRCh38, 1-based): chr1:119,915,422, A>C on the plus strand (T>G on the coding strand, the complement: NOTCH2 is on the minus strand). VCF-style: chr1-119915422-A-C. GRCh37 (hg19) VCF-style: chr1-120458045-A-C.
Other names: short protein forms S2434A.
Identifiers: ClinVar variation 4976183 (VCV004976183.1).